The following is an entry in ClinVar:

ClinVar aggregate classification (germline): Likely benign (1 of 4 stars; one submission).

Submission:

CeGaT Center for Human Genetics Tuebingen
Classification: Likely benign. Last evaluated: 2022-09-01. Review status: criteria provided, single submitter. Criteria: CeGaT Center For Human Genetics Tuebingen Variant Classification Criteria Version 2. Collection method: clinical testing. Allele origin: germline. Affected: yes. Observed: 1 variant allele.
Comment: PLCG2: PM2:Supporting, BP4, BP7

NM_002661.5(PLCG2):c.2013C>T (p.Ile671=)

Gene: PLCG2 (phospholipase C gamma 2; plus strand). Cytogenetic location: 16q23.3.
Variant type: single nucleotide variant.
Coding change: c.2013C>T on transcript NM_002661.5 (MANE Select); coding-DNA position 2013, C replaced by T.
Protein change: p.Ile671=; no amino-acid change (isoleucine 671 retained).
Molecular consequence: synonymous variant.
Genome position (GRCh38, 1-based): chr16:81,912,675, C>T. VCF-style: chr16-81912675-C-T. GRCh37 (hg19) VCF-style: chr16-81946280-C-T.
Identifiers: ClinVar variation 2646899 (VCV002646899.24), dbSNP rs768072868, ClinGen allele CA496708469.
Genomic context (GRCh38, chr16:81,912,675, plus strand): 5'-GAGCCGCGGAGAGGCAGAGGACATGCTGATGAGGATTCCCCGGGACGGGGCCTTCCTGAT[C>T]CGGAAGCGAGAGGGGAGCGACTCCTATGCCATCACCTTCAGGTGGGTGCGAGGGTGGGAG-3'
Protein context (NP_002652.2, residues 661-681): MRIPRDGAFL[Ile671=]RKREGSDSYA